The following is an entry in ClinVar:

ClinVar aggregate classification (germline): Uncertain significance (1 of 4 stars; one submission).

gnomAD v4.1: 1 of 1,551,612 alleles (0.000064%); no homozygotes.

Submission:

Ambry Genetics
Classification: Uncertain significance. Last evaluated: 2025-11-20. Review status: criteria provided, single submitter. Criteria: Ambry Variant Classification Scheme 2023. Collection method: clinical testing. Allele origin: germline.
Comment: The c.716T>G (p.V239G) alteration is located in exon 7 (coding exon 7) of the NLRP5 gene. This alteration results from a T to G substitution at nucleotide position 716, causing the valine (V) at amino acid position 239 to be replaced by a glycine (G). Based on data from gnomAD, the G allele has an overall frequency of 0.003% (1/31402) total alleles studied. The highest observed frequency was <0.001% (/) of alleles. Based on insufficient or conflicting evidence, the clinical significance of this alteration remains unclear.

NM_001433705.1(NLRP5):c.563T>G (p.Val188Gly)

Genes: NLRP5 (NLR family pyrin domain containing 5; plus strand), LOC126862935 (BRD4-independent group 4 enhancer GRCh37_chr19:56537936-56539135; plus strand). Cytogenetic location: 19q13.43.
Variant type: single nucleotide variant.
Coding change: c.563T>G on transcript NM_001433705.1 (MANE Select); coding-DNA position 563, T replaced by G.
Protein change: p.Val188Gly; replaces valine 188 with glycine.
Molecular consequence: missense variant.
Genome position (GRCh38, 1-based): chr19:56,026,949, T>G. VCF-style: chr19-56026949-T-G. GRCh37 (hg19) VCF-style: chr19-56538315-T-G.
Other names: NM_153447.4:c.716T>G; short protein forms V188G.
Identifiers: ClinVar variation 4558119 (VCV004558119.1).